The following is an entry in ClinVar:

ClinVar aggregate classification (germline): Uncertain significance (1 of 4 stars; one submission).

Conditions:
Hypertrophic cardiomyopathy. Also called: HYPERTROPHIC MYOCARDIOPATHY. Identifiers: Orphanet 217569, MedGen C0007194, MeSH D002312, MONDO:0005045, HP:0001639.

Submission:

Labcorp Genetics (formerly Invitae), Labcorp
Classification: Uncertain significance for Hypertrophic cardiomyopathy. Last evaluated: 2019-06-13. Review status: criteria provided, single submitter. Criteria: Invitae Variant Classification Sherloc (09022015). Collection method: clinical testing. Allele origin: germline.
Comment: This variant is a gross deletion of the genomic region encompassing exons 26-38 of the MYOM1 gene. The 5' boundary is likely confined to intron 25. The 3' end of this event is unknown as it extends through the termination codon beyond the assayed region for this gene and may encompass additional genes. While this deletion is not anticipated to result in nonsense mediated decay, it is expected to create a truncated protein product or disrupt mRNA translation. This variant has not been reported in the literature in individuals with MYOM1-related conditions. In summary, the available evidence is currently insufficient to determine the role of this variant in disease. Therefore, it has been classified as a Variant of Uncertain Significance.

NC_000018.10:g.(?_3067252)_(3094316_?)del

Gene: MYOM1 (myomesin 1; minus strand). Cytogenetic location: 18p11.31.
Variant type: Deletion.
Identifiers: ClinVar variation 831630 (VCV000831630.6).